The following is an entry in ClinVar:

ClinVar aggregate classification (germline): Uncertain significance. Review status: criteria provided, multiple submitters, no conflicts (2 of 4 stars). 2 submissions from 2 submitters: Uncertain significance (2). Last evaluated 2026-02-13.

Conditions:
Familial thoracic aortic aneurysm and aortic dissection (TAAD). Also called: Thoracic aortic aneurysms and dissections. Identifiers: Orphanet 91387, MedGen C4707243, MONDO:0019625.

Submissions (2):

GeneDx
Classification: Uncertain significance. Last evaluated: 2026-02-13. Review status: criteria provided, single submitter. Criteria: GeneDx Variant Classification Process June 2021. Collection method: clinical testing. Allele origin: germline.
Comment: Not observed at significant frequency in large population cohorts (gnomAD); In silico analysis supports that this missense variant has a deleterious effect on protein structure/function; Has not been previously published as pathogenic or benign to our knowledge

Labcorp Genetics (formerly Invitae), Labcorp
Classification: Uncertain significance for Familial thoracic aortic aneurysm and aortic dissection. Last evaluated: 2022-11-29. Review status: criteria provided, single submitter. Criteria: Invitae Variant Classification Sherloc (09022015). Collection method: clinical testing. Allele origin: germline.
Comment: In summary, the available evidence is currently insufficient to determine the role of this variant in disease. Therefore, it has been classified as a Variant of Uncertain Significance. Advanced modeling of protein sequence and biophysical properties (such as structural, functional, and spatial information, amino acid conservation, physicochemical variation, residue mobility, and thermodynamic stability) performed at Invitae indicates that this missense variant is expected to disrupt SMAD3 protein function. This variant has not been reported in the literature in individuals affected with SMAD3-related conditions. This variant is not present in population databases (gnomAD no frequency). This sequence change replaces leucine, which is neutral and non-polar, with proline, which is neutral and non-polar, at codon 91 of the SMAD3 protein (p.Leu91Pro).

NM_005902.4(SMAD3):c.272T>C (p.Leu91Pro)

Gene: SMAD3 (SMAD family member 3; plus strand). Cytogenetic location: 15q22.33.
Variant type: single nucleotide variant.
Coding change: c.272T>C on transcript NM_005902.4 (MANE Select); coding-DNA position 272, T replaced by C.
Protein change: p.Leu91Pro; replaces leucine 91 with proline.
Molecular consequence: missense variant. On other transcripts: 5 prime UTR variant (3).
Genome position (GRCh38, 1-based): chr15:67,164,960, T>C. VCF-style: chr15-67164960-T-C. GRCh37 (hg19) VCF-style: chr15-67457298-T-C.
Other names: c.272T>C (NM_005902.3); c.-44T>C (NM_001145102.2, NM_001407015.1, NM_001407016.1); c.140T>C, p.Leu47Pro (NM_001145103.2); c.272T>C, p.Leu91Pro (NM_001407011.1, NM_001407012.1, NM_001407013.1); c.125T>C, p.Leu42Pro (NM_001407014.1); short protein forms L42P, L47P, L91P.
Identifiers: ClinVar variation 2777581 (VCV002777581.5), dbSNP rs2140293890, ClinGen allele CA392953889.